The following is an entry in ClinVar:

ClinVar aggregate classification (germline): Uncertain significance. Review status: criteria provided, multiple submitters, no conflicts (2 of 4 stars). 2 submissions from 2 submitters: Uncertain significance (2). Last evaluated 2025-11-16.

Conditions:
Epidermolysis bullosa simplex 5B, with muscular dystrophy (EBS5B). Also called: EPIDERMOLYSIS BULLOSA SIMPLEX AND LIMB-GIRDLE MUSCULAR DYSTROPHY; Epidermolysis bullosa simplex with muscular dystrophy. Identifiers: Orphanet 257, MedGen C2931072, MONDO:0009181, OMIM 226670.
Epidermolysis bullosa simplex, Ogna type (EBS5A). Also called: Pidermolysis bullosa simplex 5A, Ogna type; EPIDERMOLYSIS BULLOSA SIMPLEX 5A, OGNA TYPE. Identifiers: Orphanet 79401, MedGen C0432317, MONDO:0007555, OMIM 131950.
Epidermolysis bullosa simplex 5C, with pyloric atresia (EBS5C). Also called: PLEC-Related Epidermolysis Bullosa with Pyloric Atresia; Epidermolysis bullosa simplex with pyloric atresia; PLEC1-Related Epidermolysis Bullosa with Pyloric Atresia. Identifiers: Orphanet 158684, MedGen C2677349, MONDO:0012807, OMIM 612138.
Autosomal recessive limb-girdle muscular dystrophy type 2Q (LGMDR17). Also called: MUSCULAR DYSTROPHY, LIMB-GIRDLE, AUTOSOMAL RECESSIVE 17. Identifiers: Orphanet 254361, MedGen C3150989, MONDO:0013390, OMIM 613723.
Epidermolysis bullosa simplex with nail dystrophy (EBS5D). Identifiers: MedGen C4225309, MONDO:0014661, OMIM 616487.

Allele frequency attached by ClinVar (database versions not stated): gnomAD 0.00001; ExAC 0.00002; gnomAD exomes 0.00002; TOPMed 0.00002; ESP Exome Variant Server 0.00008.
gnomAD v4.1: 27 of 1,608,688 alleles (0.0017%); highest among the groups gnomAD compares: East Asian, 0.0089%; no homozygotes.

Submissions (2):

Labcorp Genetics (formerly Invitae), Labcorp
Classification: Uncertain significance for Autosomal recessive limb-girdle muscular dystrophy type 2Q; Epidermolysis bullosa simplex, Ogna type; Epidermolysis bullosa simplex with nail dystrophy; Epidermolysis bullosa simplex 5C, with pyloric atresia; Epidermolysis bullosa simplex 5B, with muscular dystrophy. Last evaluated: 2025-11-16. Review status: criteria provided, single submitter. Criteria: Invitae Variant Classification Sherloc (09022015). Collection method: clinical testing. Allele origin: germline.
Comment: This sequence change replaces glutamic acid, which is acidic and polar, with lysine, which is basic and polar, at codon 3022 of the PLEC protein (p.Glu3022Lys). This variant is present in population databases (rs375589064, gnomAD 0.02%). This variant has not been reported in the literature in individuals affected with PLEC-related conditions. ClinVar contains an entry for this variant (Variation ID: 2058719). Invitae Evidence Modeling of protein sequence and biophysical properties (such as structural, functional, and spatial information, amino acid conservation, physicochemical variation, residue mobility, and thermodynamic stability) indicates that this missense variant is not expected to disrupt PLEC protein function with a negative predictive value of 80%. In summary, the available evidence is currently insufficient to determine the role of this variant in disease. Therefore, it has been classified as a Variant of Uncertain Significance.

Revvity Omics, Revvity
Classification: Uncertain significance. Last evaluated: 2019-11-18. Review status: criteria provided, single submitter. Criteria: ACMG Guidelines, 2015. Collection method: clinical testing. Allele origin: germline.

NM_201384.3(PLEC):c.8983G>A (p.Glu2995Lys)

Gene: PLEC (plectin; minus strand). Cytogenetic location: 8q24.3.
Variant type: single nucleotide variant.
Coding change: c.8983G>A on transcript NM_201384.3 (MANE Select); coding-DNA position 8983, G replaced by A.
Protein change: p.Glu2995Lys; replaces glutamic acid 2995 with lysine.
Molecular consequence: missense variant.
Genome position (GRCh38, 1-based): chr8:143,920,838, C>T on the plus strand (G>A on the coding strand, the complement: PLEC is on the minus strand). VCF-style: chr8-143920838-C-T. GRCh37 (hg19) VCF-style: chr8-144995006-C-T.
Other names: c.9064G>A (NM_000445.3); c.9064G>A, p.Glu3022Lys (NM_000445.5); c.5683G>A, p.Glu1895Lys (NM_001410941.1); c.8941G>A, p.Glu2981Lys (NM_201378.4); c.8917G>A, p.Glu2973Lys (NM_201379.3); c.9394G>A, p.Glu3132Lys (NM_201380.4); c.8887G>A, p.Glu2963Lys (NM_201381.3); c.8983G>A, p.Glu2995Lys (NM_201382.4); and 1 more; short protein forms E1895K, E2973K, E3022K, E3132K, E2963K, E2981K, E2995K, E2999K.
Identifiers: ClinVar variation 2058719 (VCV002058719.7), dbSNP rs375589064, ClinGen allele CA4925117.